The following is an entry in ClinVar:

NM_001364905.1(LRBA):c.3350G>T (p.Gly1117Val)

Gene: LRBA (LPS responsive beige-like anchor protein; minus strand). Cytogenetic location: 4q31.3.
Variant type: single nucleotide variant.
Coding change: c.3350G>T on transcript NM_001364905.1 (MANE Select); coding-DNA position 3350, G replaced by T.
Protein change: p.Gly1117Val; replaces glycine 1117 with valine.
Molecular consequence: missense variant.
Genome position (GRCh38, 1-based): chr4:150,852,360, C>A on the plus strand (G>T on the coding strand, the complement: LRBA is on the minus strand). VCF-style: chr4-150852360-C-A. GRCh37 (hg19) VCF-style: chr4-151773512-C-A.
Other names: p.Gly1117Val; c.3350G>T, p.Gly1117Val (NM_001199282.3, NM_001367550.1, NM_006726.5); short protein forms G1117V.
Identifiers: ClinVar variation 439871 (VCV000439871.25), dbSNP rs35977354, ClinGen allele CA3103062.

ClinVar aggregate classification (germline): Conflicting classifications of pathogenicity. Review status: criteria provided, conflicting classifications (1 of 4 stars). 6 submissions from 6 submitters: Uncertain significance (1); Benign (2); Likely benign (3). Last evaluated 2026-02-11.

Conditions:
Combined immunodeficiency due to LRBA deficiency. Also called: Common variable immunodeficiency 8, with autoimmunity. Identifiers: Orphanet 445018, MedGen C3553512, MONDO:0013863, OMIM 614700.

Allele frequency attached by ClinVar (database versions not stated): gnomAD exomes 0.00112 and 0.00040; ExAC 0.00149; gnomAD 0.00433 and 0.00462; 1000 Genomes Project 30x 0.00437; 1000 Genomes Project 0.00439; TOPMed 0.00480; ESP Exome Variant Server 0.00577.
gnomAD v4.1: 1,259 of 1,613,604 alleles (0.078%); highest among the groups gnomAD compares: African/African-American, 1.5%; 5 homozygotes.

Submissions (6):

Women's Health and Genetics/Laboratory Corporation of America, LabCorp
Classification: Likely benign. Last evaluated: 2026-02-11. Review status: criteria provided, single submitter. Criteria: LabCorp Variant Classification Summary - May 2015. Collection method: clinical testing. Allele origin: germline.
Comment: Variant summary: LRBA c.3350G>T (p.Gly1117Val) results in a non-conservative amino acid change in the encoded protein sequence. Algorithms developed to predict the effect of missense changes on protein structure and function are either unavailable or do not agree on the potential impact of this missense change. The variant allele was found at a frequency of 0.0011 in 251118 control chromosomes, predominantly at a frequency of 0.016 within the African or African-American subpopulation in the gnomAD database. The observed variant frequency within African or African-American control individuals in the gnomAD database exceeds the estimated maximal expected allele frequency for disease-causing variants in LRBA. To our knowledge, no occurrence of c.3350G>T in individuals affected with LRBA-related conditions and no experimental evidence demonstrating its impact on protein function have been reported. ClinVar contains an entry for this variant (Variation ID: 439871). Based on the evidence outlined above, the variant was classified as likely benign.

Labcorp Genetics (formerly Invitae), Labcorp
Classification: Benign for Combined immunodeficiency due to LRBA deficiency. Last evaluated: 2026-01-02. Review status: criteria provided, single submitter. Criteria: Invitae Variant Classification Sherloc (09022015). Collection method: clinical testing. Allele origin: germline.

Mayo Clinic Laboratories, Mayo Clinic
Classification: Benign. Last evaluated: 2024-11-18. Review status: criteria provided, single submitter. Criteria: ACMG Guidelines, 2015. Collection method: clinical testing. Allele origin: germline. Observed: 4 variant alleles.
Comment: BS1, BS2, BP4

Blueprint Genetics
Classification: Likely benign. Last evaluated: 2024-10-23. Review status: criteria provided, single submitter. Criteria: ACMG Guidelines, 2015. Collection method: clinical testing. Allele origin: germline.

Genetic Services Laboratory, University of Chicago
Classification: Likely benign. Last evaluated: 2020-09-08. Review status: criteria provided, single submitter. Criteria: ACMG Guidelines, 2015. Collection method: clinical testing. Allele origin: germline. Affected: no.

ARUP Laboratories, Molecular Genetics and Genomics, ARUP Laboratories
Classification: Uncertain significance. Last evaluated: 2017-02-08. Review status: criteria provided, single submitter. Criteria: ARUP Molecular Germline Variant Investigation Process. Collection method: clinical testing. Allele origin: germline.